The following is an entry in ClinVar:

NM_020975.6(RET):c.2137-8C>T

Gene: RET (ret proto-oncogene; plus strand). Cytogenetic location: 10q11.21.
Variant type: single nucleotide variant.
Coding change: c.2137-8C>T on transcript NM_020975.6 (MANE Select); 8 bases into the intron before coding-DNA position 2137, C replaced by T.
Molecular consequence: intron variant.
Genome position (GRCh38, 1-based): chr10:43,116,576, C>T. VCF-style: chr10-43116576-C-T. GRCh37 (hg19) VCF-style: chr10-43612024-C-T.
Other names: c.2137-8C>T (NM_020630.7, NM_001406743.1, NM_001406744.1 and 2 more transcripts); c.2002-8C>T (NM_001406765.1, NM_001406763.1); c.1741-8C>T (NM_001406772.1, NM_001406769.1); c.1699-8C>T (NM_001406773.1, NM_001406771.1); c.1240-8C>T (NM_001406782.1, NM_001406780.1, NM_001406779.1 and 1 more transcripts); c.1105-8C>T (NM_001406787.1); c.1120-8C>T (NM_001406785.1); c.2008-8C>T (NM_001406764.1, NM_001406762.1, NM_001406761.1); and 10 more.
Identifiers: ClinVar variation 2777253 (VCV002777253.4), dbSNP rs2538532378, ClinGen allele CA2608874978.

ClinVar aggregate classification (germline): Likely benign. Review status: criteria provided, multiple submitters, no conflicts (2 of 4 stars). 2 submissions from 2 submitters: Likely benign (2). Last evaluated 2023-11-20.

Conditions:
Multiple endocrine neoplasia, type 2 (MEN2). Identifiers: Orphanet 653, MedGen C4048306, MONDO:0019003. Disease mechanism: gain of function.

Allele frequency attached by ClinVar (database versions not stated): gnomAD exomes below 0.00001.
gnomAD v4.1: 1 of 1,613,726 alleles (0.000062%); highest among the groups gnomAD compares: Non-Finnish European, 0.000085%; no homozygotes.

Submissions (2):

All of Us Research Program, National Institutes of Health
Classification: Likely benign for Multiple endocrine neoplasia, type 2. Last evaluated: 2023-11-20. Review status: criteria provided, single submitter. Criteria: ACMG Guidelines, 2015. Collection method: clinical testing. Allele origin: germline. Inheritance: Autosomal dominant inheritance. Observed: 1 variant allele, 1 heterozygote.
Comment: This study involves interpretation of variants in research participants for the purpose of population health screening. Participant phenotype was not available at the time of variant classification. Additional details can be found in publication PMID: 35346344, PMCID: PMC8962531

Labcorp Genetics (formerly Invitae), Labcorp
Classification: Likely benign for Multiple endocrine neoplasia, type 2. Last evaluated: 2023-02-16. Review status: criteria provided, single submitter. Criteria: Invitae Variant Classification Sherloc (09022015). Collection method: clinical testing. Allele origin: germline.